The following is an entry in ClinVar:

NM_152296.5(ATP1A3):c.2999G>A (p.Arg1000His)

Gene: ATP1A3 (ATPase Na+/K+ transporting subunit alpha 3; minus strand). Cytogenetic location: 19q13.2.
Variant type: single nucleotide variant.
Coding change: c.2999G>A on transcript NM_152296.5 (MANE Select); coding-DNA position 2999, G replaced by A.
Protein change: p.Arg1000His; replaces arginine 1000 with histidine.
Molecular consequence: missense variant.
Genome position (GRCh38, 1-based): chr19:41,967,263, C>T on the plus strand (G>A on the coding strand, the complement: ATP1A3 is on the minus strand). VCF-style: chr19-41967263-C-T. GRCh37 (hg19) VCF-style: chr19-42471415-C-T.
Other names: c.3032G>A, p.Arg1011His (NM_001256213.2); c.3038G>A, p.Arg1013His (NM_001256214.2); c.2999G>A (NM_152296.3); short protein forms R1011H, R1000H, R1013H.
Identifiers: ClinVar variation 4747711 (VCV004747711.2).

ClinVar aggregate classification (germline): Uncertain significance. Review status: criteria provided, multiple submitters, no conflicts (2 of 4 stars). 2 submissions from 2 submitters: Uncertain significance (2). Last evaluated 2026-06-22.

Conditions:
Inborn genetic diseases. Identifiers: MedGen C0950123, MeSH D030342.
Dystonia 12 (DYT12). Also called: DYT-ATP1A3; Rapid-Onset Dystonia-Parkinsonism (RDP). Identifiers: Orphanet 71517, MedGen C1868681, MONDO:0007496, OMIM 128235.

gnomAD v4.1: 4 of 1,614,014 alleles (0.00025%); highest among the groups gnomAD compares: East Asian, 0.0022%; no homozygotes.

Submissions (2):

Ambry Genetics
Classification: Uncertain significance for Inborn genetic diseases. Last evaluated: 2026-06-22. Review status: criteria provided, single submitter. Criteria: Ambry Variant Classification Scheme 2023. Collection method: clinical testing. Allele origin: germline.

Labcorp Genetics (formerly Invitae), Labcorp
Classification: Uncertain significance for Dystonia 12. Last evaluated: 2025-07-30. Review status: criteria provided, single submitter. Criteria: Invitae Variant Classification Sherloc (09022015). Collection method: clinical testing. Allele origin: germline.
Comment: This sequence change replaces arginine, which is basic and polar, with histidine, which is basic and polar, at codon 1000 of the ATP1A3 protein (p.Arg1000His). This variant is not present in population databases (gnomAD no frequency). This variant has not been reported in the literature in individuals affected with ATP1A3-related conditions. Invitae Evidence Modeling of protein sequence and biophysical properties (such as structural, functional, and spatial information, amino acid conservation, physicochemical variation, residue mobility, and thermodynamic stability) indicates that this missense variant is expected to disrupt ATP1A3 protein function with a positive predictive value of 95%. In summary, the available evidence is currently insufficient to determine the role of this variant in disease. Therefore, it has been classified as a Variant of Uncertain Significance.